The following is an entry in ClinVar:

ClinVar aggregate classification (germline): Pathogenic (1 of 4 stars; one submission).

gnomAD v4.1: 6 of 1,605,194 alleles (0.00037%); highest among the groups gnomAD compares: Non-Finnish European, 0.00042%; no homozygotes.

Submission:

Labcorp Genetics (formerly Invitae), Labcorp
Classification: Pathogenic. Last evaluated: 2024-05-13. Review status: criteria provided, single submitter. Criteria: Invitae Variant Classification Sherloc (09022015). Collection method: clinical testing. Allele origin: germline.
Comment: This sequence change creates a premature translational stop signal (p.Cys148*) in the CFD gene. It is expected to result in an absent or disrupted protein product. Loss-of-function variants in CFD are known to be pathogenic (PMID: 11724962). This variant is not present in population databases (gnomAD no frequency). This variant has not been reported in the literature in individuals affected with CFD-related conditions. For these reasons, this variant has been classified as Pathogenic.

Literature cited by the submitters: PubMed 11724962.

NM_001928.4(CFD):c.444C>A (p.Cys148Ter)

Gene: CFD (complement factor D; plus strand). Cytogenetic location: 19p13.3.
Variant type: single nucleotide variant.
Coding change: c.444C>A on transcript NM_001928.4 (MANE Select); coding-DNA position 444, C replaced by A.
Protein change: p.Cys148Ter; replaces cysteine 148 with a stop codon.
Molecular consequence: nonsense.
Genome position (GRCh38, 1-based): chr19:861,785, C>A. VCF-style: chr19-861785-C-A. GRCh37 (hg19) VCF-style: chr19-861785-C-A.
Other names: c.465C>A, p.Cys155Ter (NM_001317335.2); short protein forms C148*, C155*.
Identifiers: ClinVar variation 3616379 (VCV003616379.2).
Genomic context (GRCh38, chr19:861,785, plus strand): 5'-TGCTGTGCGCCCCCTGCCCTGGCAGCGCGTGGACCGCGACGTGGCACCGGGAACTCTCTG[C>A]GACGTGGCCGGCTGGGGCATAGTCAACCACGCGGGCCGCCGCCCGGACAGCCTGCAGCAC-3'